The following is an entry in ClinVar:

ClinVar aggregate classification (germline): Pathogenic (1 of 4 stars; one submission).

Conditions:
Nephronophthisis. Also called: Juvenile Nephronophthisis. Identifiers: Orphanet 655, MedGen C0687120, MONDO:0019005, HP:0000090.

Submission:

Labcorp Genetics (formerly Invitae), Labcorp
Classification: Pathogenic for Nephronophthisis. Last evaluated: 2025-07-09. Review status: criteria provided, single submitter. Criteria: Invitae Variant Classification Sherloc (09022015). Collection method: clinical testing. Allele origin: germline.
Comment: This sequence change inserts a large fragment of DNA, likely a transposable element, in exon 16 of the NPHP3 gene (c.2307_2308ins?), causing a frameshift at codon 770 (p.Gln770fs). The exact size and sequence of the insertion cannot be determined by the current assay. However, the insertion is expected to result in an absent or disrupted protein product. This variant is not present in population databases (gnomAD no frequency). This variant has not been reported in the literature in individuals affected with NPHP3-related conditions. Retrotransposon insertions including LINE1 (L1), Alu, and SVA (SINE-VNTR-Alu) have been reported to be disease-causing through disruption of either a coding region or splice site (PMID: 19763152, 20307669, 22406018) and loss-of-function variants in NPHP3 are known to be pathogenic (PMID: 18371931, 23559409). For these reasons, this variant has been classified as Pathogenic.

Literature cited by the submitters: PubMed 19763152; PubMed 20307669; PubMed 22406018; PubMed 18371931; PubMed 23559409.

NM_153240.5(NPHP3):c.2307_2308insGCCGGGCGCGGTGGCTCACGCCTGTAATCCCAGCACTTTGGGAGGCCGAGGCGGGTGGATCATGAGGNNNNNNNNNNAAAAAAAAAAAAAAAAAAAAAAAGAGCTAATGAAG (p.Gln770delinsAlaGlyArgGlyGlySerArgLeuTer)

Genes: NPHP3 (nephrocystin 3; minus strand), NPHP3-ACAD11 (NPHP3-ACAD11 readthrough (NMD candidate); minus strand). Cytogenetic location: 3q22.1.
Variant type: Insertion.
Coding change: c.2307_2308insGCCGGGCGCGGTGGCTCACGCCTGTAATCCCAGCACTTTGGGAGGCCGAGGCGGGTGGATCATGAGGNNNNNNNNNNAAAAAAAAAAAAAAAAAAAAAAAGAGCTAATGAAG on transcript NM_153240.5 (MANE Select); coding-DNA positions 2307 to 2308, GCCGGGCGCGGTGGCTCACGCCTGTAATCCCAGCACTTTGGGAGGCCGAGGCGGGTGGATCATGAGGNNNNNNNNNNAAAAAAAAAAAAAAAAAAAAAAAGAGCTAATGAAG inserted.
Protein change: p.Gln770delinsAlaGlyArgGlyGlySerArgLeuTer.
Molecular consequence: nonsense. On other transcripts: non-coding transcript variant (1).
Genome position: GRCh38: chr3:132,694,844-132,694,845. GRCh37 (hg19): chr3:132,413,688-132,413,689.
Identifiers: ClinVar variation 4723005 (VCV004723005.1).